The following is an entry in ClinVar:

NM_018905.3(PCDHA2):c.2080G>A (p.Val694Met)

Genes: PCDHA1 (protocadherin alpha 1; plus strand), PCDHA2 (protocadherin alpha 2; plus strand), PCDHA@ (protocadherin alpha cluster, complex locus; plus strand). Cytogenetic location: 5q31.3.
Variant type: single nucleotide variant.
Coding change: c.2080G>A on transcript NM_018905.3 (MANE Select); coding-DNA position 2080, G replaced by A.
Protein change: p.Val694Met; replaces valine 694 with methionine.
Molecular consequence: missense variant. On other transcripts: intron variant (2).
Genome position (GRCh38, 1-based): chr5:140,797,044, G>A. VCF-style: chr5-140797044-G-A. GRCh37 (hg19) VCF-style: chr5-140176629-G-A.
Other names: c.2080G>A, p.Val694Met (NM_031495.2, NM_031496.2); c.2394+8360G>A (NM_018900.4); c.1602+9152G>A (NM_031411.3); short protein forms V694M.
Identifiers: ClinVar variation 2655749 (VCV002655749.24), dbSNP rs145817011, ClinGen allele CA3446045.

ClinVar aggregate classification (germline): Likely benign (1 of 4 stars; one submission).

Allele frequency attached by ClinVar (database versions not stated): 1000 Genomes Project 0.00120; 1000 Genomes Project 30x 0.00172; TOPMed 0.00174; gnomAD 0.00183; ExAC 0.00216; ESP Exome Variant Server 0.00269; gnomAD exomes 0.00285.
gnomAD v4.1: 4,401 of 1,613,772 alleles (0.27%); highest among the groups gnomAD compares: Non-Finnish European, 0.35%; 15 homozygotes.

Submission:

CeGaT Center for Human Genetics Tuebingen
Classification: Likely benign. Last evaluated: 2023-03-01. Review status: criteria provided, single submitter. Criteria: CeGaT Center For Human Genetics Tuebingen Variant Classification Criteria Version 2. Collection method: clinical testing. Allele origin: germline. Affected: yes. Observed: 1 variant allele.
Comment: PCDHA2: BP4, BS2